The following is an entry in ClinVar:

NM_022124.6(CDH23):c.3880C>T (p.Gln1294Ter)

Genes: C10orf105 (chromosome 10 open reading frame 105; minus strand), CDH23 (cadherin related 23; plus strand). Cytogenetic location: 10q22.1.
Variant type: single nucleotide variant.
Coding change: c.3880C>T on transcript NM_022124.6 (MANE Select); coding-DNA position 3880, C replaced by T.
Protein change: p.Gln1294Ter; replaces glutamine 1294 with a stop codon.
Molecular consequence: nonsense. On other transcripts: intron variant (1).
Genome position (GRCh38, 1-based): chr10:71,732,151, C>T. VCF-style: chr10-71732151-C-T. GRCh37 (hg19) VCF-style: chr10-73491908-C-T.
Other names: Q492*; c.3880C>T, p.Gln1294Ter (NM_001171930.2); c.-6+5577G>A (NM_001168390.2); short protein forms Q1294*.
Identifiers: ClinVar variation 4921 (VCV000004921.11), dbSNP rs121908350, ClinGen allele CA253330.

ClinVar aggregate classification (germline): Pathogenic. Review status: criteria provided, single submitter (1 of 4 stars). 3 submissions from 3 submitters: Pathogenic (1). 2 of the submissions do not count toward it. Last evaluated 2025-08-21.

Conditions:
Hearing loss, autosomal recessive. Also called: Rare autosomal recessive non-syndromic sensorineural deafness type DFNB; Nonsyndromic Hearing Loss, Recessive; Autosomal recessive nonsyndromic deafness; Deafness, autosomal recessive. Identifiers: Orphanet 90635, Orphanet 90636, MedGen C1846647, MONDO:0019588, OMIM 607197.
Usher syndrome type 1D (USH1D). Also called: USHER SYNDROME, TYPE ID. Identifiers: Orphanet 231169, Orphanet 886, MedGen C1832845, MONDO:0010984, OMIM 601067.

Allele frequency attached by ClinVar (database versions not stated): gnomAD exomes below 0.00001.
gnomAD v4.1: 1 of 1,614,030 alleles (0.000062%); highest among the groups gnomAD compares: South Asian, 0.0011%; no homozygotes.

Submissions (3):

Labcorp Genetics (formerly Invitae), Labcorp
Classification: Pathogenic. Last evaluated: 2025-08-21. Review status: criteria provided, single submitter. Criteria: Invitae Variant Classification Sherloc (09022015). Collection method: clinical testing. Allele origin: germline.
Comment: This sequence change creates a premature translational stop signal (p.Gln1294*) in the CDH23 gene. It is expected to result in an absent or disrupted protein product. Loss-of-function variants in CDH23 are known to be pathogenic (PMID: 11138009, 21940737). This variant is not present in population databases (gnomAD no frequency). This premature translational stop signal has been observed in individuals with clinical features of Usher syndrome (PMID: 11090341; internal data). This variant is also known as Q492X. ClinVar contains an entry for this variant (Variation ID: 4921). For these reasons, this variant has been classified as Pathogenic.

OMIM
Classification: Pathogenic for USHER SYNDROME, TYPE ID. Last evaluated: 2001-01-01. Review status: no assertion criteria provided. Collection method: literature only. Allele origin: germline. Not counted in ClinVar's aggregate classification.

University of Washington Center for Mendelian Genomics, University of Washington
Classification: Likely pathogenic for non-syndromic autosomal recessive hearing loss. Review status: no assertion criteria provided. Collection method: research. Allele origin: inherited. Affected: yes. Not counted in ClinVar's aggregate classification.

Literature cited by the submitters: PubMed 11138009 (cited by Labcorp Genetics (formerly Invitae), Labcorp); PubMed 21940737 (cited by Labcorp Genetics (formerly Invitae), Labcorp); PubMed 11090341 (cited by Labcorp Genetics (formerly Invitae), Labcorp and OMIM); PubMed 30303587 (cited by University of Washington Center for Mendelian Genomics, University of Washington).